The following is an entry in ClinVar:

NM_000359.3(TGM1):c.182G>A (p.Trp61Ter)

Gene: TGM1 (transglutaminase 1; minus strand). Cytogenetic location: 14q12.
Variant type: single nucleotide variant.
Coding change: c.182G>A on transcript NM_000359.3 (MANE Select); coding-DNA position 182, G replaced by A.
Protein change: p.Trp61Ter; replaces tryptophan 61 with a stop codon.
Molecular consequence: nonsense.
Genome position (GRCh38, 1-based): chr14:24,262,171, C>T on the plus strand (G>A on the coding strand, the complement: TGM1 is on the minus strand). VCF-style: chr14-24262171-C-T. GRCh37 (hg19) VCF-style: chr14-24731377-C-T.
Other names: short protein forms W61*.
Identifiers: ClinVar variation 2045838 (VCV002045838.4), dbSNP rs1232497911, ClinGen allele CA389280799.

ClinVar aggregate classification (germline): Pathogenic (1 of 4 stars; one submission).

Allele frequency attached by ClinVar (database versions not stated): gnomAD exomes below 0.00001.
gnomAD v4.1: 1 of 1,613,734 alleles (0.000062%); highest among the groups gnomAD compares: Non-Finnish European, 0.000085%; no homozygotes.

Submission:

Labcorp Genetics (formerly Invitae), Labcorp
Classification: Pathogenic. Last evaluated: 2023-09-10. Review status: criteria provided, single submitter. Criteria: Invitae Variant Classification Sherloc (09022015). Collection method: clinical testing. Allele origin: germline.
Comment: ClinVar contains an entry for this variant (Variation ID: 2045838). This variant has not been reported in the literature in individuals affected with TGM1-related conditions. This variant is present in population databases (no rsID available, gnomAD 0.0009%). This sequence change creates a premature translational stop signal (p.Trp61*) in the TGM1 gene. It is expected to result in an absent or disrupted protein product. Loss-of-function variants in TGM1 are known to be pathogenic (PMID: 18948357, 19241467). For these reasons, this variant has been classified as Pathogenic.

Literature cited by the submitters: PubMed 18948357; PubMed 19241467.